The following is an entry in ClinVar:

NM_001942.4(DSG1):c.2834A>G (p.Asn945Ser)

Genes: DSG1-AS1 (DSG1 antisense RNA 1; minus strand), DSG1 (desmoglein 1; plus strand). Cytogenetic location: 18q12.1.
Variant type: single nucleotide variant.
Coding change: c.2834A>G on transcript NM_001942.4 (MANE Select); coding-DNA position 2834, A replaced by G.
Protein change: p.Asn945Ser; replaces asparagine 945 with serine.
Molecular consequence: missense variant.
Genome position (GRCh38, 1-based): chr18:31,355,030, A>G. VCF-style: chr18-31355030-A-G. GRCh37 (hg19) VCF-style: chr18-28934993-A-G.
Other names: short protein forms N945S.
Identifiers: ClinVar variation 1423385 (VCV001423385.6), dbSNP rs1218052878, ClinGen allele CA402124746.

ClinVar aggregate classification (germline): Uncertain significance (1 of 4 stars; one submission).

Allele frequency attached by ClinVar (database versions not stated): gnomAD exomes below 0.00001; gnomAD 0.00001; TOPMed 0.00001.
gnomAD v4.1: 2 of 1,614,076 alleles (0.00012%); highest among the groups gnomAD compares: Admixed American, 0.0033%; no homozygotes.

Submission:

Labcorp Genetics (formerly Invitae), Labcorp
Classification: Uncertain significance. Last evaluated: 2025-08-03. Review status: criteria provided, single submitter. Criteria: Invitae Variant Classification Sherloc (09022015). Collection method: clinical testing. Allele origin: germline.
Comment: This sequence change replaces asparagine, which is neutral and polar, with serine, which is neutral and polar, at codon 945 of the DSG1 protein (p.Asn945Ser). This variant is present in population databases (no rsID available, gnomAD 0.003%). This variant has not been reported in the literature in individuals affected with DSG1-related conditions. ClinVar contains an entry for this variant (Variation ID: 1423385). An algorithm developed to predict the effect of missense changes on protein structure and function outputs the following: PolyPhen-2: "Benign". The serine amino acid residue is found in multiple mammalian species, which suggests that this missense change does not adversely affect protein function. In summary, the available evidence is currently insufficient to determine the role of this variant in disease. Therefore, it has been classified as a Variant of Uncertain Significance.